The following is an entry in ClinVar:

NM_000350.3(ABCA4):c.4163T>C (p.Leu1388Pro)

Gene: ABCA4 (ATP binding cassette subfamily A member 4; minus strand). Cytogenetic location: 1p22.1.
Variant type: single nucleotide variant.
Coding change: c.4163T>C on transcript NM_000350.3 (MANE Select); coding-DNA position 4163, T replaced by C.
Protein change: p.Leu1388Pro; replaces leucine 1388 with proline.
Molecular consequence: missense variant.
Genome position (GRCh38, 1-based): chr1:94,031,086, A>G on the plus strand (T>C on the coding strand, the complement: ABCA4 is on the minus strand). VCF-style: chr1-94031086-A-G. GRCh37 (hg19) VCF-style: chr1-94496642-A-G.
Other names: c.3941T>C, p.Leu1314Pro (NM_001425324.1); short protein forms L1388P, L1314P.
Identifiers: ClinVar variation 99254 (VCV000099254.11), dbSNP rs61750131, ClinGen allele CA227159.
Genomic context (GRCh38, chr1:94,031,086, plus strand): 5'-CAGGGGTGAAGGGTCAAAGCGGGGTATTCGCCAAAAGGAGGGATAACAATAGAAAGCATC[A>G]GAGCCAAAAACACAAAGGTAGCCGGGAGCACGATCTGTGGGAGAATAGACGTGGAATAAA-3'
Protein context (NP_000341.2, residues 1378-1398): VLPATFVFLA[Leu1388Pro]MLSIVIPPFG

ClinVar aggregate classification (germline): Pathogenic. Review status: criteria provided, multiple submitters, no conflicts (2 of 4 stars). 4 submissions from 4 submitters: Pathogenic (3). 1 of the submissions does not count toward it. Last evaluated 2026-03-19.

Conditions:
ABCA4-related disorder. Also called: ABCA4-related disorders; ABCA4-related condition. Identifiers: MedGen CN239167.
Retinitis pigmentosa (RP). Identifiers: Orphanet 791, MedGen C0035334, MeSH D012174, MONDO:0019200, OMIM 268000. Inheritance: Autosomal dominant, autosomal recessive and X linked inheritance.

Allele frequency attached by ClinVar (database versions not stated): gnomAD exomes below 0.00001; ExAC 0.00001.
gnomAD v4.1: 5 of 1,614,188 alleles (0.00031%); highest among the groups gnomAD compares: African/African-American, 0.0013%; no homozygotes.

Submissions (4):

Women's Health and Genetics/Laboratory Corporation of America, LabCorp
Classification: Pathogenic for Retinitis pigmentosa. Last evaluated: 2026-03-19. Review status: criteria provided, single submitter. Criteria: LabCorp Variant Classification Summary - May 2015. Collection method: clinical testing. Allele origin: germline.
Comment: Variant summary: ABCA4 c.4163T>C (p.Leu1388Pro) results in a non-conservative amino acid change in the encoded protein sequence. Algorithms developed to predict the effect of missense changes on protein structure and function all suggest that this variant is likely to be disruptive. The variant allele was found at a frequency of 4e-06 in 251224 control chromosomes. c.4163T>C has been observed in the compound heterozygous or homozygous state in multiple individuals affected with clinical features of Stargardt disease (example, Green_2020, internal data), including at least 1 family where it segregated with ABCA4-related conditions. These data indicate that the variant is very likely to be associated with disease. The following publications has been ascertained in the context of this evaluation (PMID: 32467599). ClinVar contains an entry for this variant (Variation ID: 99254). Based on the evidence outlined above, the variant was classified as pathogenic.

Labcorp Genetics (formerly Invitae), Labcorp
Classification: Pathogenic. Last evaluated: 2025-06-23. Review status: criteria provided, single submitter. Criteria: Invitae Variant Classification Sherloc (09022015). Collection method: clinical testing. Allele origin: germline.
Comment: This sequence change replaces leucine, which is neutral and non-polar, with proline, which is neutral and non-polar, at codon 1388 of the ABCA4 protein (p.Leu1388Pro). This variant is present in population databases (rs61750131, gnomAD 0.0009%). This missense change has been observed in individuals with retinal disease (PMID: 11527935; internal data). ClinVar contains an entry for this variant (Variation ID: 99254). Invitae Evidence Modeling of protein sequence and biophysical properties (such as structural, functional, and spatial information, amino acid conservation, physicochemical variation, residue mobility, and thermodynamic stability) indicates that this missense variant is expected to disrupt ABCA4 protein function with a positive predictive value of 95%. For these reasons, this variant has been classified as Pathogenic.

Blueprint Genetics
Classification: Pathogenic for ABCA4-related disorders. Last evaluated: 2021-10-15. Review status: criteria provided, single submitter. Criteria: ACMG Guidelines, 2015. Collection method: clinical testing. Allele origin: germline. Affected: yes. Observed: 2 variant alleles.

Retina International
No classification provided. Review status: no classification provided. Collection method: not provided. Allele origin: not provided. Not counted in ClinVar's aggregate classification.

Literature cited by the submitters: PubMed 32467599 (cited by Women's Health and Genetics/Laboratory Corporation of America, LabCorp); PubMed 11527935 (cited by Labcorp Genetics (formerly Invitae), Labcorp).